The following is an entry in ClinVar:

ClinVar aggregate classification (germline): Benign. Review status: criteria provided, multiple submitters, no conflicts (2 of 4 stars). 11 submissions from 11 submitters: Benign (8). 3 of the submissions do not count toward it. Last evaluated 2026-02-04.

Conditions:
Retinal dystrophy. Also called: Inherited retinal dystrophy. Identifiers: Orphanet 71862, MedGen C0854723, MeSH D058499, MONDO:0019118, HP:0000556.
Usher syndrome type 2A. Also called: USHER SYNDROME, TYPE IIA; RETINAL DISEASE IN USHER SYNDROME TYPE IIA, MODIFIER OF. Identifiers: Orphanet 231178, Orphanet 886, MedGen C1848634, MONDO:0010169, OMIM 276901.

Allele frequency attached by ClinVar (database versions not stated): ESP Exome Variant Server 0.60641; gnomAD 0.62414 and 0.62790; TOPMed 0.62428; gnomAD exomes 0.63468 and 0.66053; ExAC 0.65801; 1000 Genomes Project 30x 0.66115; 1000 Genomes Project 0.66234.
gnomAD v4.1: 1,023,028 of 1,613,420 alleles (63%); highest among the groups gnomAD compares: East Asian, 79%; 326,396 homozygotes.

Submissions (11):

Labcorp Genetics (formerly Invitae), Labcorp
Classification: Benign. Last evaluated: 2026-02-04. Review status: criteria provided, single submitter. Criteria: Invitae Variant Classification Sherloc (09022015). Collection method: clinical testing. Allele origin: germline.

Blueprint Genetics
Classification: Benign. Last evaluated: 2024-11-26. Review status: criteria provided, single submitter. Criteria: ACMG Guidelines, 2015. Collection method: clinical testing. Allele origin: germline.

ARUP Laboratories, Molecular Genetics and Genomics, ARUP Laboratories
Classification: Benign. Last evaluated: 2023-11-29. Review status: criteria provided, single submitter. Criteria: ARUP Molecular Germline Variant Investigation Process 2024. Collection method: clinical testing. Allele origin: germline.

Dept Of Ophthalmology, Nagoya University
Classification: Benign for Retinal dystrophy. Last evaluated: 2023-10-01. Review status: criteria provided, single submitter. Criteria: Submitter's publication. Collection method: research. Allele origin: germline. Affected: yes.

Women's Health and Genetics/Laboratory Corporation of America, LabCorp
Classification: Benign. Last evaluated: 2023-04-10. Review status: criteria provided, single submitter. Criteria: LabCorp Variant Classification Summary - May 2015. Collection method: clinical testing. Allele origin: germline.

Genome-Nilou Lab
Classification: Benign for Usher syndrome type 2A. Last evaluated: 2021-07-01. Review status: criteria provided, single submitter. Criteria: ACMG Guidelines, 2015. Collection method: clinical testing. Allele origin: germline. Affected: no.

Laboratory for Molecular Medicine, Mass General Brigham Personalized Medicine
Classification: Benign. Last evaluated: 2012-02-02. Review status: criteria provided, single submitter. Criteria: LMM Criteria. Collection method: clinical testing. Allele origin: germline. Observed: 1,548 variant alleles.
Comment: Inferred frequency = 141/386 (LMM data)

Breakthrough Genomics
Classification: Benign. Review status: criteria provided, single submitter. Criteria: ACMG Guidelines, 2015. Collection method: not provided. Allele origin: germline. Inheritance: Autosomal recessive inheritance. Affected: yes.

Natera, Inc.
Classification: Benign for Usher syndrome type 2A. Last evaluated: 2019-11-18. Review status: no assertion criteria provided. Collection method: clinical testing. Allele origin: germline. Not counted in ClinVar's aggregate classification.

Clinical Genetics DNA and cytogenetics Diagnostics Lab, Erasmus MC, Erasmus Medical Center
Classification: Benign. Review status: no assertion criteria provided. Collection method: clinical testing. Allele origin: germline. Affected: yes. Study: VKGL Data-share Consensus. Not counted in ClinVar's aggregate classification.

Diagnostic Laboratory, Department of Genetics, University Medical Center Groningen
Classification: Benign. Review status: no assertion criteria provided. Collection method: clinical testing. Allele origin: germline. Affected: yes. Study: VKGL Data-share Consensus. Not counted in ClinVar's aggregate classification.

NM_206933.4(USH2A):c.4457G>A (p.Arg1486Lys)

Gene: USH2A (usherin; minus strand). Cytogenetic location: 1q41.
Variant type: single nucleotide variant.
Coding change: c.4457G>A on transcript NM_206933.4 (MANE Select); coding-DNA position 4457, G replaced by A.
Protein change: p.Arg1486Lys; replaces arginine 1486 with lysine.
Molecular consequence: missense variant.
Genome position (GRCh38, 1-based): chr1:216,175,422, C>T on the plus strand (G>A on the coding strand, the complement: USH2A is on the minus strand). VCF-style: chr1-216175422-C-T. GRCh37 (hg19) VCF-style: chr1-216348764-C-T.
Other names: c.4457A>A (NM_206933.2); c.4457G>A, p.Arg1486Lys (NM_007123.6); short protein forms R1486K.
Identifiers: ClinVar variation 177992 (VCV000177992.46), dbSNP rs1805049, ClinGen allele CA181132.